The following is an entry in ClinVar:

NM_014252.4(SLC25A15):c.392A>C (p.Lys131Thr)

Gene: SLC25A15 (solute carrier family 25 member 15; plus strand). Cytogenetic location: 13q14.11.
Variant type: single nucleotide variant.
Coding change: c.392A>C on transcript NM_014252.4 (MANE Select); coding-DNA position 392, A replaced by C.
Protein change: p.Lys131Thr; replaces lysine 131 with threonine.
Molecular consequence: missense variant.
Genome position (GRCh38, 1-based): chr13:40,805,195, A>C. VCF-style: chr13-40805195-A-C. GRCh37 (hg19) VCF-style: chr13-41379331-A-C.
Other names: short protein forms K131T.
Identifiers: ClinVar variation 996819 (VCV000996819.6), dbSNP rs1882123662, ClinGen allele CA387917845.
Genomic context (GRCh38, chr13:40,805,195, plus strand): 5'-CCGCCGGTTCCTTCGCCTCTGCCTTTGCTGCACTGGTGCTCTGCCCCACGGAGCTCGTGA[A>C]GTGCCGGCTGCAGACCATGTATGAGATGGAGACATCAGGGAAGATAGCCAAGAGCCAGAA-3'
Protein context (NP_055067.1, residues 121-141): ALVLCPTELV[Lys131Thr]CRLQTMYEME

ClinVar aggregate classification (germline): Likely pathogenic. Review status: criteria provided, multiple submitters, no conflicts (2 of 4 stars). 2 submissions from 2 submitters: Likely pathogenic (2). Last evaluated 2026-01-01.

Submissions (2):

CeGaT Center for Human Genetics Tuebingen
Classification: Likely pathogenic. Last evaluated: 2026-01-01. Review status: criteria provided, single submitter. Criteria: CeGaT Center For Human Genetics Tuebingen Variant Classification Criteria Version 2. Collection method: clinical testing. Allele origin: germline. Affected: yes. Observed: 3 variant alleles.
Comment: SLC25A15: PM2, PP4:Moderate, PM3:Supporting, PP3

Institute of Medical Genetics and Applied Genomics, University Hospital Tübingen
Classification: Likely pathogenic. Last evaluated: 2021-02-01. Review status: criteria provided, single submitter. Criteria: ACMG Guidelines, 2015. Collection method: clinical testing. Allele origin: germline. Inheritance: Autosomal recessive inheritance. Affected: yes.